The following is an entry in ClinVar:

NM_144670.6(A2ML1):c.2395T>G (p.Ser799Ala)

Gene: A2ML1 (alpha-2-macroglobulin like 1; plus strand). Cytogenetic location: 12p13.31.
Variant type: single nucleotide variant.
Coding change: c.2395T>G on transcript NM_144670.6 (MANE Select); coding-DNA position 2395, T replaced by G.
Protein change: p.Ser799Ala; replaces serine 799 with alanine.
Molecular consequence: missense variant.
Genome position (GRCh38, 1-based): chr12:8,851,944, T>G. VCF-style: chr12-8851944-T-G. GRCh37 (hg19) VCF-style: chr12-9004540-T-G.
Other names: c.922T>G, p.Ser308Ala (NM_001282424.3); short protein forms S799A, S308A.
Identifiers: ClinVar variation 644912 (VCV000644912.13), dbSNP rs374408168, ClinGen allele CA6436003.

ClinVar aggregate classification (germline): Conflicting classifications of pathogenicity. Review status: criteria provided, conflicting classifications (1 of 4 stars). 3 submissions from 3 submitters: Uncertain significance (2); Likely benign (1). Last evaluated 2025-12-11.

Allele frequency attached by ClinVar (database versions not stated): gnomAD exomes 0.00003 and 0.00006; ExAC 0.00007; gnomAD 0.00024 and 0.00026; TOPMed 0.00030; ESP Exome Variant Server 0.00033.
gnomAD v4.1: 87 of 1,614,062 alleles (0.0054%); highest among the groups gnomAD compares: African/African-American, 0.1%; no homozygotes.

Submissions (3):

Labcorp Genetics (formerly Invitae), Labcorp
Classification: Uncertain significance. Last evaluated: 2025-12-11. Review status: criteria provided, single submitter. Criteria: Invitae Variant Classification Sherloc (09022015). Collection method: clinical testing. Allele origin: germline.
Comment: This sequence change replaces serine, which is neutral and polar, with alanine, which is neutral and non-polar, at codon 799 of the A2ML1 protein (p.Ser799Ala). This variant is present in population databases (rs374408168, gnomAD 0.07%), and has an allele count higher than expected for a pathogenic variant. This variant has not been reported in the literature in individuals affected with A2ML1-related conditions. ClinVar contains an entry for this variant (Variation ID: 644912). An algorithm developed to predict the effect of missense changes on protein structure and function (PolyPhen-2) suggests that this variant is likely to be disruptive. In summary, the available evidence is currently insufficient to determine the role of this variant in disease. Therefore, it has been classified as a Variant of Uncertain Significance.

Ambry Genetics
Classification: Uncertain significance. Last evaluated: 2025-07-30. Review status: criteria provided, single submitter. Criteria: Ambry Variant Classification Scheme 2023. Collection method: clinical testing. Allele origin: germline.
Comment: The p.S799A variant (also known as c.2395T>G), located in coding exon 19 of the A2ML1 gene, results from a T to G substitution at nucleotide position 2395. The serine at codon 799 is replaced by alanine, an amino acid with similar properties. This amino acid position is conserved. In addition, this alteration is predicted to be tolerated by in silico analysis. Since supporting evidence is limited at this time, the clinical significance of this alteration remains unclear.

Women's Health and Genetics/Laboratory Corporation of America, LabCorp
Classification: Likely benign. Last evaluated: 2020-03-23. Review status: criteria provided, single submitter. Criteria: LabCorp Variant Classification Summary - May 2015. Collection method: clinical testing. Allele origin: germline.
Comment: Variant summary: A2ML1 c.2395T>G (p.Ser799Ala) results in a conservative amino acid change located in the Alpha-2-macroglobulin domain of the encoded protein sequence. Two of four in-silico tools predict a benign effect of the variant on protein function. The variant allele was found at a frequency of 6e-05 in 249568 control chromosomes, predominantly at a frequency of 0.0009 within the African or African-American subpopulation in the gnomAD database. The observed variant frequency within African or African-American control individuals in the gnomAD database is significantly above the estimated maximal expected allele frequency for a pathogenic variant in A2ML1 causing Noonan Syndrome phenotype (4e-06), strongly suggesting that the variant is a benign polymorphism found primarily in populations of African or African-American origin. To our knowledge, no occurrence of c.2395T>G in individuals affected with Noonan Syndrome and no experimental evidence demonstrating its impact on protein function have been reported. One clinical diagnostic laboratory has submitted clinical-significance assessments for this variant to ClinVar after 2014 without evidence for independent evaluation. One laboratory classified the variant as uncertain significance. Based on the evidence outlined above, the variant was classified as likely benign.